The following is an entry in ClinVar:

NM_003334.4(UBA1):c.1090G>A (p.Ala364Thr)

Gene: UBA1 (ubiquitin like modifier activating enzyme 1; plus strand). Cytogenetic location: Xp11.3.
Variant type: single nucleotide variant.
Coding change: c.1090G>A on transcript NM_003334.4 (MANE Select); coding-DNA position 1090, G replaced by A.
Protein change: p.Ala364Thr; replaces alanine 364 with threonine.
Molecular consequence: missense variant.
Genome position (GRCh38, 1-based): chrX:47,202,671, G>A. VCF-style: chrX-47202671-G-A. GRCh37 (hg19) VCF-style: chrX-47062070-G-A.
Other names: c.1090G>A, p.Ala364Thr (NM_153280.3); short protein forms A364T.
Identifiers: ClinVar variation 2418338 (VCV002418338.6), dbSNP rs2521448787, ClinGen allele CA412796041.
Genomic context (GRCh38, chrX:47,202,671, plus strand): 5'-CTCTCTTGGTTCTTTCTGGCCCACCAGGAGGATGCAGCAGAACTGGTAGCCTTAGCACAG[G>A]CTGTGAATGCTCGAGCCCTGCCAGCAGTGCAGCAAAATAACCTGGACGAGGACCTCATCC-3'
Protein context (NP_003325.2, residues 354-374): DAAELVALAQ[Ala364Thr]VNARALPAVQ

ClinVar aggregate classification (germline): Uncertain significance (1 of 4 stars; one submission).

Conditions:
Infantile-onset X-linked spinal muscular atrophy. Also called: AMC, DISTAL, X-LINKED; ARTHROGRYPOSIS, X-LINKED, TYPE I; SPINAL MUSCULAR ATROPHY, X-LINKED LETHAL INFANTILE; Spinal Muscular Atrophy, X-Linked Infantile; Spinal muscular atrophy, X-linked 2. Identifiers: Orphanet 1145, MedGen C1844934, MONDO:0010532, OMIM 301830.

Allele frequency attached by ClinVar (database versions not stated): gnomAD exomes below 0.00001.
gnomAD v4.1: 1 of 1,212,232 alleles (0.000082%); highest among the groups gnomAD compares: Non-Finnish European, 0.00011%; no homozygotes.

Submission:

Labcorp Genetics (formerly Invitae), Labcorp
Classification: Uncertain significance for Infantile-onset X-linked spinal muscular atrophy. Last evaluated: 2025-01-23. Review status: criteria provided, single submitter. Criteria: Invitae Variant Classification Sherloc (09022015). Collection method: clinical testing. Allele origin: germline.
Comment: This sequence change replaces alanine, which is neutral and non-polar, with threonine, which is neutral and polar, at codon 364 of the UBA1 protein (p.Ala364Thr). This variant is not present in population databases (gnomAD no frequency). This variant has not been reported in the literature in individuals affected with UBA1-related conditions. ClinVar contains an entry for this variant (Variation ID: 2418338). An algorithm developed to predict the effect of missense changes on protein structure and function outputs the following: PolyPhen-2: "Benign". The threonine amino acid residue is found in multiple mammalian species, which suggests that this missense change does not adversely affect protein function. In summary, the available evidence is currently insufficient to determine the role of this variant in disease. Therefore, it has been classified as a Variant of Uncertain Significance.